The following is an entry in ClinVar:

NM_000038.6(APC):c.1472_1473dup (p.His492fs)

Gene: APC (APC regulator of Wnt signaling pathway; plus strand). Cytogenetic location: 5q22.2.
Variant type: Duplication.
Coding change: c.1472_1473dup on transcript NM_000038.6 (MANE Select); coding-DNA positions 1472 to 1473, 2 bases duplicated (AC; older notation c.1472_1473dupAC).
Protein change: p.His492fs; shifts the reading frame from histidine 492.
Molecular consequence: frameshift variant.
Genome position (GRCh38, 1-based): chr5:112,827,171-112,827,172, AC duplicated. VCF-style (leftmost placement, unchanged base first): chr5-112827170-G-GAC. GRCh37 (hg19) VCF-style: chr5-112162867-G-GAC.
Other names: c.1472_1473dup, p.His492fs (NM_001127510.3, NM_001354895.2, NM_001407450.1); c.1418_1419dup, p.His474fs (NM_001127511.3); c.1526_1527dup, p.His510fs (NM_001354896.2, NM_001407447.1, NM_001407448.1 and 1 more transcripts); c.1502_1503dup, p.His502fs (NM_001354897.2); c.1397_1398dup, p.His467fs (NM_001354898.2); c.1388_1389dup, p.His464fs (NM_001354899.2); c.1349_1350dup, p.His451fs (NM_001354900.2); c.1295_1296dup, p.His433fs (NM_001354901.2, NM_001407453.1); and 11 more; short protein forms H401fs, H451fs, H467fs, H474fs, H482fs, H209fs, H391fs, H502fs.
Identifiers: ClinVar variation 2734759 (VCV002734759.3), dbSNP rs2533196591, ClinGen allele CA2695202736.
Genomic context (GRCh38, chr5:112,827,170, plus strand): 5'-GGACTACAGGCCATTGCAGAATTATTGCAAGTGGACTGTGAAATGTATGGGCTTACTAAT[G>GAC]ACCACTACAGTATTACACTAAGACGATATGCTGGAATGGCTTTGACAAACTTGACTTTTG-3'

ClinVar aggregate classification (germline): Pathogenic (1 of 4 stars; one submission).

Conditions:
Familial adenomatous polyposis 1 (FAP1). Also called: POLYPOSIS, ADENOMATOUS INTESTINAL; FAMILIAL ADENOMATOUS POLYPOSIS 1, ATTENUATED. Identifiers: MedGen C2713442, MONDO:0021056, OMIM 175100. Disease mechanism: loss of function.

Submission:

Labcorp Genetics (formerly Invitae), Labcorp
Classification: Pathogenic for Familial adenomatous polyposis 1. Last evaluated: 2022-12-08. Review status: criteria provided, single submitter. Criteria: Invitae Variant Classification Sherloc (09022015). Collection method: clinical testing. Allele origin: germline.
Comment: For these reasons, this variant has been classified as Pathogenic. This premature translational stop signal has been observed in individual(s) with familial adenomatous polyposis (PMID: 23159591). This variant is not present in population databases (gnomAD no frequency). This sequence change creates a premature translational stop signal (p.His492Thrfs*7) in the APC gene. It is expected to result in an absent or disrupted protein product. Loss-of-function variants in APC are known to be pathogenic (PMID: 17963004, 20685668).

Literature cited by the submitters: PubMed 23159591; PubMed 17963004; PubMed 20685668.